The following is an entry in ClinVar:

NM_153252.5(BRWD3):c.1849A>T (p.Ile617Leu)

Gene: BRWD3 (bromodomain and WD repeat domain containing 3; minus strand). Cytogenetic location: Xq21.1.
Variant type: single nucleotide variant.
Coding change: c.1849A>T on transcript NM_153252.5 (MANE Select); coding-DNA position 1849, A replaced by T.
Protein change: p.Ile617Leu; replaces isoleucine 617 with leucine.
Molecular consequence: missense variant.
Genome position (GRCh38, 1-based): chrX:80,722,589, T>A on the plus strand (A>T on the coding strand, the complement: BRWD3 is on the minus strand). VCF-style: chrX-80722589-T-A. GRCh37 (hg19) VCF-style: chrX-79978088-T-A.
Other names: c.1849A>T, p.Ile617Leu (NM_001441339.1); short protein forms I617L.
Identifiers: ClinVar variation 4828244 (VCV004828244.1).
Genomic context (GRCh38, chrX:80,722,589, plus strand): 5'-AATGTTTTAAATTTACTTTTAGAGAAAACATACCATTAGCCACATATCCCAGCTGTGGTA[T>A]AAGCTGTTCATCTTTACAATTTTCCCGTCCTGGTACCAACCGTTGGAATTTTGTGGGATG-3'
Protein context (NP_694984.5, residues 607-627): GRENCKDEQL[Ile617Leu]PQLGYVANGD

ClinVar aggregate classification (germline): Uncertain significance (1 of 4 stars; one submission).

Conditions:
Inborn genetic diseases. Identifiers: MedGen C0950123, MeSH D030342.

Submission:

Ambry Genetics
Classification: Uncertain significance for Inborn genetic diseases. Last evaluated: 2026-02-25. Review status: criteria provided, single submitter. Criteria: Ambry Variant Classification Scheme 2023. Collection method: clinical testing. Allele origin: germline.
Comment: The c.1849A>T (p.I617L) alteration is located in exon 17 (coding exon 17) of the BRWD3 gene. This alteration results from a A to T substitution at nucleotide position 1849, causing the isoleucine (I) at amino acid position 617 to be replaced by a leucine (L). Based on data from gnomAD, the T allele has an overall frequency of <0.001% (1/183475) total alleles studied. The highest observed frequency was 0.001% (1/81919) of European (non-Finnish) alleles. Based on insufficient or conflicting evidence, the clinical significance of this alteration remains unclear.